The following is an entry in ClinVar:

ClinVar aggregate classification (germline): Uncertain significance (1 of 4 stars; one submission).

Conditions:
Kennedy disease (SMAX1). Also called: SPINAL AND BULBAR MUSCULAR ATROPHY, X-LINKED 1; KENNEDY SPINAL AND BULBAR MUSCULAR ATROPHY; Spinal and Bulbar Muscular Atrophy. Identifiers: Orphanet 481, MedGen C1839259, MONDO:0010735, OMIM 313200.
Androgen resistance syndrome (AIS). Also called: DHTR DEFICIENCY; DIHYDROTESTOSTERONE RECEPTOR DEFICIENCY; ANDROGEN RECEPTOR DEFICIENCY; TESTICULAR FEMINIZATION SYNDROME; Androgen insensitivity syndrome; Androgen insensitivity. Identifiers: Orphanet 754, Orphanet 99429, MedGen C0039585, MONDO:0019154, OMIM 300068. Disease mechanism: loss of function.

Submission:

Labcorp Genetics (formerly Invitae), Labcorp
Classification: Uncertain significance for Kennedy disease; Androgen resistance syndrome. Last evaluated: 2023-12-02. Review status: criteria provided, single submitter. Criteria: Invitae Variant Classification Sherloc (09022015). Collection method: clinical testing. Allele origin: germline.
Comment: This sequence change replaces valine, which is neutral and non-polar, with aspartic acid, which is acidic and polar, at codon 582 of the AR protein (p.Val582Asp). This variant is not present in population databases (gnomAD no frequency). This variant has not been reported in the literature in individuals affected with AR-related conditions. Advanced modeling of protein sequence and biophysical properties (such as structural, functional, and spatial information, amino acid conservation, physicochemical variation, residue mobility, and thermodynamic stability) has been performed at Invitae for this missense variant, however the output from this modeling did not meet the statistical confidence thresholds required to predict the impact of this variant on AR protein function. This variant disrupts the p.Val582 amino acid residue in AR. Other variant(s) that disrupt this residue have been determined to be pathogenic (PMID: 8224266, 11788616). This suggests that this residue is clinically significant, and that variants that disrupt this residue are likely to be disease-causing. In summary, the available evidence is currently insufficient to determine the role of this variant in disease. Therefore, it has been classified as a Variant of Uncertain Significance.

Literature cited by the submitters: PubMed 8224266; PubMed 11788616.

NM_000044.6(AR):c.1745T>A (p.Val582Asp)

Gene: AR (androgen receptor; plus strand). Cytogenetic location: Xq12.
Variant type: single nucleotide variant.
Coding change: c.1745T>A on transcript NM_000044.6 (MANE Select); coding-DNA position 1745, T replaced by A.
Protein change: p.Val582Asp; replaces valine 582 with aspartic acid.
Molecular consequence: missense variant. On other transcripts: intron variant (1).
Genome position (GRCh38, 1-based): chrX:67,643,384, T>A. VCF-style: chrX-67643384-T-A. GRCh37 (hg19) VCF-style: chrX-66863226-T-A.
Other names: c.149T>A, p.Val50Asp (NM_001011645.3); c.1745T>A, p.Val582Asp (NM_001348061.1, NM_001348063.1); c.1748T>A, p.Val583Asp (NM_001424175.1); c.1617-42557T>A (NM_001348064.1); short protein forms V50D, V583D, V582D.
Identifiers: ClinVar variation 2951581 (VCV002951581.3), dbSNP rs2147436641, ClinGen allele CA413422883.